The following is an entry in ClinVar:

NM_000138.5(FBN1):c.425G>A (p.Gly142Glu)

Gene: FBN1 (fibrillin 1; minus strand). Cytogenetic location: 15q21.1.
Variant type: single nucleotide variant.
Coding change: c.425G>A on transcript NM_000138.5 (MANE Select); coding-DNA position 425, G replaced by A.
Protein change: p.Gly142Glu; replaces glycine 142 with glutamic acid.
Molecular consequence: missense variant.
Genome position (GRCh38, 1-based): chr15:48,600,156, C>T on the plus strand (G>A on the coding strand, the complement: FBN1 is on the minus strand). VCF-style: chr15-48600156-C-T. GRCh37 (hg19) VCF-style: chr15-48892353-C-T.
Other names: short protein forms G142E.
Identifiers: ClinVar variation 549214 (VCV000549214.8), dbSNP rs1555405036, ClinGen allele CA392446466.

ClinVar aggregate classification (germline): Uncertain significance. Review status: criteria provided, single submitter (1 of 4 stars). 2 submissions from 2 submitters: Uncertain significance (1). 1 of the submissions does not count toward it. Last evaluated 2021-05-07.

Conditions:
Marfan syndrome (MFS). Also called: Marfan syndrome type 1; Marfan syndrome, classic; Marfan's syndrome; FBN1-Related Marfan Syndrome; MARFAN SYNDROME, TYPE I. Identifiers: Orphanet 284963, Orphanet 558, MedGen C0024796, MONDO:0007947, OMIM 154700.
Familial thoracic aortic aneurysm and aortic dissection (TAAD). Also called: Thoracic aortic aneurysms and dissections. Identifiers: Orphanet 91387, MedGen C4707243, MONDO:0019625.

Submissions (2):

Labcorp Genetics (formerly Invitae), Labcorp
Classification: Uncertain significance for Marfan syndrome; Familial thoracic aortic aneurysm and aortic dissection. Last evaluated: 2021-05-07. Review status: criteria provided, single submitter. Criteria: Invitae Variant Classification Sherloc (09022015). Collection method: clinical testing. Allele origin: germline.
Comment: This sequence change replaces glycine with glutamic acid at codon 142 of the FBN1 protein (p.Gly142Glu). The glycine residue is highly conserved and there is a moderate physicochemical difference between glycine and glutamic acid. This variant is not present in population databases (ExAC no frequency). This variant has not been reported in the literature in individuals with FBN1-related conditions. ClinVar contains an entry for this variant (Variation ID: 549214). Advanced modeling of protein sequence and biophysical properties (such as structural, functional, and spatial information, amino acid conservation, physicochemical variation, residue mobility, and thermodynamic stability) performed at Invitae indicates that this missense variant is expected to disrupt FBN1 protein function. In summary, the available evidence is currently insufficient to determine the role of this variant in disease. Therefore, it has been classified as a Variant of Uncertain Significance.

Center for Medical Genetics Ghent, University of Ghent
Classification: Uncertain significance for Marfan syndrome. Last evaluated: 2017-11-07. Review status: no assertion criteria provided. Collection method: clinical testing. Allele origin: germline. Affected: yes. Not counted in ClinVar's aggregate classification.